The following is an entry in ClinVar:

NM_001368809.2(AMPD2):c.41A>T (p.Lys14Ile)

Genes: AMPD2 (adenosine monophosphate deaminase 2; plus strand), LOC129931109 (ATAC-STARR-seq lymphoblastoid active region 1448; plus strand). Cytogenetic location: 1p13.3.
Variant type: single nucleotide variant.
Coding change: c.41A>T on transcript NM_001368809.2 (MANE Select); coding-DNA position 41, A replaced by T.
Protein change: p.Lys14Ile; replaces lysine 14 with isoleucine.
Molecular consequence: missense variant. On other transcripts: intron variant (1).
Genome position (GRCh38, 1-based): chr1:109,621,216, A>T. VCF-style: chr1-109621216-A-T. GRCh37 (hg19) VCF-style: chr1-110163838-A-T.
Other names: c.203A>T, p.Lys68Ile (NM_001257360.2); c.109A>T, p.Asn37Tyr (NM_001308170.1); c.41A>T, p.Lys14Ile (NM_004037.9); c.10+938A>T (NM_139156.4); short protein forms N37Y, K68I, K14I.
Identifiers: ClinVar variation 2128666 (VCV002128666.4), dbSNP rs1326159064, ClinGen allele CA341549278.

ClinVar aggregate classification (germline): Uncertain significance (1 of 4 stars; one submission).

Conditions:
Pontocerebellar hypoplasia type 9. Identifiers: Orphanet 369920, MedGen C4014354, MONDO:0014351, OMIM 615809.
Hereditary spastic paraplegia 63. Also called: Spastic paraplegia 63, autosomal recessive. Identifiers: Orphanet 401805, MedGen C3810295, MONDO:0014305, OMIM 615686.

Allele frequency attached by ClinVar (database versions not stated): gnomAD exomes below 0.00001.
gnomAD v4.1: 2 of 1,611,788 alleles (0.00012%); highest among the groups gnomAD compares: Admixed American, 0.0033%; no homozygotes.

Submission:

Labcorp Genetics (formerly Invitae), Labcorp
Classification: Uncertain significance for Pontocerebellar hypoplasia type 9; Hereditary spastic paraplegia 63. Last evaluated: 2025-10-06. Review status: criteria provided, single submitter. Criteria: Invitae Variant Classification Sherloc (09022015). Collection method: clinical testing. Allele origin: germline.
Comment: This sequence change replaces lysine, which is basic and polar, with isoleucine, which is neutral and non-polar, at codon 68 of the AMPD2 protein (p.Lys68Ile). This variant is present in population databases (no rsID available, gnomAD 0.003%). This variant has not been reported in the literature in individuals affected with AMPD2-related conditions. ClinVar contains an entry for this variant (Variation ID: 2128666). An algorithm developed to predict the effect of missense changes on protein structure and function (PolyPhen-2) suggests that this variant is likely to be tolerated. In summary, the available evidence is currently insufficient to determine the role of this variant in disease. Therefore, it has been classified as a Variant of Uncertain Significance.